The following is an entry in ClinVar:

ClinVar aggregate classification (germline): Benign/Likely benign. Review status: criteria provided, multiple submitters, no conflicts (2 of 4 stars). 3 submissions from 3 submitters: Benign (1); Likely benign (2). Last evaluated 2024-08-23.

Conditions:
Hereditary cancer-predisposing syndrome. Also called: Hereditary Cancer Syndrome; Hereditary neoplastic syndrome; Neoplastic Syndromes, Hereditary; Tumor predisposition. Identifiers: Orphanet 140162, MedGen C0027672, MeSH D009386, MONDO:0015356.
Familial cancer of breast. Also called: BREAST CANCER, FAMILIAL; Hereditary breast cancer; hereditary breast carcinoma. Identifiers: Orphanet 227535, MedGen C0346153, MONDO:0016419, OMIM 114480. Disease mechanism: loss of function.
Fanconi anemia complementation group J. Also called: BRIP1-Related Fanconi Anemia. Identifiers: Orphanet 84, MedGen C1836860, MONDO:0012187, OMIM 609054.

Allele frequency attached by ClinVar (database versions not stated): gnomAD exomes below 0.00001.
gnomAD v4.1: 4 of 1,611,632 alleles (0.00025%); highest among the groups gnomAD compares: Admixed American, 0.0017%; no homozygotes.

Submissions (3):

Myriad Genetics, Inc.
Classification: Benign for Familial cancer of breast. Last evaluated: 2024-08-23. Review status: criteria provided, single submitter. Criteria: Myriad Autosomal Dominant, Autosomal Recessive and X-Linked Classification Criteria (2023). Collection method: clinical testing. Allele origin: unknown.
Comment: This variant is considered benign. This variant is a silent/synonymous amino acid change and it is not expected to impact splicing.

Labcorp Genetics (formerly Invitae), Labcorp
Classification: Likely benign for Familial cancer of breast; Fanconi anemia complementation group J. Last evaluated: 2023-10-17. Review status: criteria provided, single submitter. Criteria: Invitae Variant Classification Sherloc (09022015). Collection method: clinical testing. Allele origin: germline.

Ambry Genetics
Classification: Likely benign for Hereditary cancer-predisposing syndrome. Last evaluated: 2020-07-20. Review status: criteria provided, single submitter. Criteria: Ambry Variant Classification Scheme 2023. Collection method: clinical testing. Allele origin: germline.

NM_032043.3(BRIP1):c.1131A>T (p.Ile377=)

Gene: BRIP1 (BRCA1 interacting DNA helicase 1; minus strand). Cytogenetic location: 17q23.2.
Variant type: single nucleotide variant.
Coding change: c.1131A>T on transcript NM_032043.3 (MANE Select); coding-DNA position 1131, A replaced by T.
Protein change: p.Ile377=; no amino-acid change (isoleucine 377 retained).
Molecular consequence: synonymous variant.
Genome position (GRCh38, 1-based): chr17:61,801,262, T>A on the plus strand (A>T on the coding strand, the complement: BRIP1 is on the minus strand). VCF-style: chr17-61801262-T-A. GRCh37 (hg19) VCF-style: chr17-59878623-T-A.
Identifiers: ClinVar variation 1151444 (VCV001151444.13), dbSNP rs927733243, ClinGen allele CA501151745.